The following is an entry in ClinVar:

ClinVar aggregate classification (germline): Uncertain significance (1 of 4 stars; one submission).

gnomAD v4.1: 5 of 1,612,702 alleles (0.00031%); highest among the groups gnomAD compares: African/African-American, 0.0054%; no homozygotes.

Submission:

Labcorp Genetics (formerly Invitae), Labcorp
Classification: Uncertain significance. Last evaluated: 2025-03-04. Review status: criteria provided, single submitter. Criteria: Invitae Variant Classification Sherloc (09022015). Collection method: clinical testing. Allele origin: germline.
Comment: This sequence change replaces glutamic acid, which is acidic and polar, with lysine, which is basic and polar, at codon 72 of the INTU protein (p.Glu72Lys). This variant is present in population databases (rs770076946, gnomAD 0.007%). This variant has not been reported in the literature in individuals affected with INTU-related conditions. Invitae Evidence Modeling of protein sequence and biophysical properties (such as structural, functional, and spatial information, amino acid conservation, physicochemical variation, residue mobility, and thermodynamic stability) has been performed for this missense variant. However, the output from this modeling did not meet the statistical confidence thresholds required to predict the impact of this variant on INTU protein function. In summary, the available evidence is currently insufficient to determine the role of this variant in disease. Therefore, it has been classified as a Variant of Uncertain Significance.

NM_015693.4(INTU):c.214G>A (p.Glu72Lys)

Gene: INTU (inturned planar cell polarity protein; plus strand). Cytogenetic location: 4q28.1.
Variant type: single nucleotide variant.
Coding change: c.214G>A on transcript NM_015693.4 (MANE Select); coding-DNA position 214, G replaced by A.
Protein change: p.Glu72Lys; replaces glutamic acid 72 with lysine.
Molecular consequence: missense variant.
Genome position (GRCh38, 1-based): chr4:127,643,588, G>A. VCF-style: chr4-127643588-G-A. GRCh37 (hg19) VCF-style: chr4-128564743-G-A.
Other names: short protein forms E72K.
Identifiers: ClinVar variation 4771542 (VCV004771542.1).
Genomic context (GRCh38, chr4:127,643,588, plus strand): 5'-GAGCCTGAATGGCTGGACAGTGTGCAGAAAAATGGAGAGCTGTTTTATTTGGAATTGAGT[G>A]AGGATGAAGAAGAAAGCCTCCTTCCTGAGACACCAACTGTGAACCATGTCAGGTTCAGTG-3'
Protein context (NP_056508.2, residues 62-82): NGELFYLELS[Glu72Lys]DEEESLLPET